The following is an entry in ClinVar:

ClinVar aggregate classification (germline): Uncertain significance. Review status: criteria provided, multiple submitters, no conflicts (2 of 4 stars). 2 submissions from 2 submitters: Uncertain significance (2). Last evaluated 2026-07-28.

Conditions:
Inborn genetic diseases. Identifiers: MedGen C0950123, MeSH D030342.
Spastic paraplegia. Identifiers: MedGen C0037772, HP:0001258.

Allele frequency attached by ClinVar (database versions not stated): TOPMed 0.00001.

Submissions (2):

Ambry Genetics
Classification: Uncertain significance for Inborn genetic diseases. Last evaluated: 2026-07-28. Review status: criteria provided, single submitter. Criteria: Ambry Variant Classification Scheme 2023. Collection method: clinical testing. Allele origin: germline.

Labcorp Genetics (formerly Invitae), Labcorp
Classification: Uncertain significance for Spastic paraplegia. Last evaluated: 2022-07-19. Review status: criteria provided, single submitter. Criteria: Invitae Variant Classification Sherloc (09022015). Collection method: clinical testing. Allele origin: germline.
Comment: In summary, the available evidence is currently insufficient to determine the role of this variant in disease. Therefore, it has been classified as a Variant of Uncertain Significance. Algorithms developed to predict the effect of missense changes on protein structure and function are either unavailable or do not agree on the potential impact of this missense change (SIFT: "Tolerated"; PolyPhen-2: "Probably Damaging"; Align-GVGD: "Class C0"). This variant has not been reported in the literature in individuals affected with HSPD1-related conditions. This variant is not present in population databases (gnomAD no frequency). This sequence change replaces aspartic acid, which is acidic and polar, with tyrosine, which is neutral and polar, at codon 85 of the HSPD1 protein (p.Asp85Tyr).

NM_002156.5(HSPD1):c.253G>T (p.Asp85Tyr)

Gene: HSPD1 (heat shock protein family D (Hsp60) member 1; minus strand). Cytogenetic location: 2q33.1.
Variant type: single nucleotide variant.
Coding change: c.253G>T on transcript NM_002156.5 (MANE Select); coding-DNA position 253, G replaced by T.
Protein change: p.Asp85Tyr; replaces aspartic acid 85 with tyrosine.
Molecular consequence: missense variant.
Genome position (GRCh38, 1-based): chr2:197,497,314, C>A on the plus strand (G>T on the coding strand, the complement: HSPD1 is on the minus strand). VCF-style: chr2-197497314-C-A. GRCh37 (hg19) VCF-style: chr2-198362038-C-A.
Other names: c.253G>T (NM_002156.4); c.253G>T, p.Asp85Tyr (NM_199440.2); short protein forms D85Y.
Identifiers: ClinVar variation 1982165 (VCV001982165.5), dbSNP rs2086171541, ClinGen allele CA350203848.